The following is an entry in ClinVar:

NM_032043.3(BRIP1):c.2990C>G (p.Thr997Arg)

Gene: BRIP1 (BRCA1 interacting DNA helicase 1; minus strand). Cytogenetic location: 17q23.2.
Variant type: single nucleotide variant.
Coding change: c.2990C>G on transcript NM_032043.3 (MANE Select); coding-DNA position 2990, C replaced by G.
Protein change: p.Thr997Arg; replaces threonine 997 with arginine.
Molecular consequence: missense variant.
Genome position (GRCh38, 1-based): chr17:61,684,056, G>C on the plus strand (C>G on the coding strand, the complement: BRIP1 is on the minus strand). VCF-style: chr17-61684056-G-C. GRCh37 (hg19) VCF-style: chr17-59761417-G-C.
Other names: short protein forms T997R.
Identifiers: ClinVar variation 2680311 (VCV002680311.3), dbSNP rs749978235, ClinGen allele CA400480062.
Genomic context (GRCh38, chr17:61,684,056, plus strand): 5'-GGTATTTTACCAGTAAAATACTGTCCCAAAGAATTAAAGCTTGACCAGCTAACTCTCTTT[G>C]TTTGTTTGTTGAAAGTTGGGCTTGTGGATCTGGAAATCACAATTTTTTCTGCTTTCCCTG-3'
Protein context (NP_114432.2, residues 987-1007): RSTSPTFNKQ[Thr997Arg]KRVSWSSFNS

ClinVar aggregate classification (germline): Uncertain significance. Review status: criteria provided, multiple submitters, no conflicts (2 of 4 stars). 2 submissions from 2 submitters: Uncertain significance (2). Last evaluated 2024-11-07.

Conditions:
Familial cancer of breast. Also called: hereditary breast carcinoma; BREAST CANCER, FAMILIAL; Hereditary breast cancer. Identifiers: Orphanet 227535, MedGen C0346153, MONDO:0016419, OMIM 114480. Disease mechanism: loss of function.
Fanconi anemia complementation group J. Also called: BRIP1-Related Fanconi Anemia. Identifiers: Orphanet 84, MedGen C1836860, MONDO:0012187, OMIM 609054.

Submissions (2):

Labcorp Genetics (formerly Invitae), Labcorp
Classification: Uncertain significance for Familial cancer of breast; Fanconi anemia complementation group J. Last evaluated: 2024-11-07. Review status: criteria provided, single submitter. Criteria: Invitae Variant Classification Sherloc (09022015). Collection method: clinical testing. Allele origin: germline.
Comment: This sequence change replaces threonine, which is neutral and polar, with arginine, which is basic and polar, at codon 997 of the BRIP1 protein (p.Thr997Arg). This variant is not present in population databases (gnomAD no frequency). This variant has not been reported in the literature in individuals affected with BRIP1-related conditions. ClinVar contains an entry for this variant (Variation ID: 2680311). Invitae Evidence Modeling of protein sequence and biophysical properties (such as structural, functional, and spatial information, amino acid conservation, physicochemical variation, residue mobility, and thermodynamic stability) indicates that this missense variant is not expected to disrupt BRIP1 protein function with a negative predictive value of 95%. In summary, the available evidence is currently insufficient to determine the role of this variant in disease. Therefore, it has been classified as a Variant of Uncertain Significance.

Baylor Genetics
Classification: Uncertain significance for Familial cancer of breast. Last evaluated: 2023-10-26. Review status: criteria provided, single submitter. Criteria: ACMG Guidelines, 2015. Collection method: clinical testing. Allele origin: unknown.